The following is an entry in ClinVar:

ClinVar aggregate classification (germline): Uncertain significance. Review status: criteria provided, multiple submitters, no conflicts (2 of 4 stars). 4 submissions from 4 submitters: Uncertain significance (4). Last evaluated 2025-11-13.

Conditions:
Rhabdomyosarcoma, embryonal, 2 (RMSE2). Identifiers: MedGen C1867234, MONDO:0859046, OMIM 180295.
Euthyroid goiter (MNG1). Also called: Goiter, multinodular 1, with or without Sertoli-Leydig cell tumors; SIMPLE GOITER; GOITER, NONTOXIC, WITH INTRATHYROIDAL CALCIFICATION; MULTINODULAR GOITER, ADOLESCENT. Identifiers: Orphanet 276399, MedGen C0302859, MONDO:0007681, OMIM 138800, HP:0009798.
DICER1-related tumor predisposition. Also called: DICER1 syndrome; DICER1-related pleuropulmonary blastoma cancer predisposition syndrome. Identifiers: Orphanet 284343, MedGen C3839822, MONDO:0100216.
Hereditary cancer-predisposing syndrome. Also called: Hereditary neoplastic syndrome; Neoplastic Syndromes, Hereditary; Hereditary Cancer Syndrome; Tumor predisposition. Identifiers: Orphanet 140162, MedGen C0027672, MeSH D009386, MONDO:0015356.

Allele frequency attached by ClinVar (database versions not stated): gnomAD exomes below 0.00001 and 0.00001; gnomAD 0.00001; TOPMed 0.00001.
gnomAD v4.1: 5 of 1,614,088 alleles (0.00031%); highest among the groups gnomAD compares: South Asian, 0.0011%; no homozygotes.

Submissions (4):

Labcorp Genetics (formerly Invitae), Labcorp
Classification: Uncertain significance for DICER1-related tumor predisposition. Last evaluated: 2025-11-13. Review status: criteria provided, single submitter. Criteria: Invitae Variant Classification Sherloc (09022015). Collection method: clinical testing. Allele origin: germline.
Comment: This sequence change replaces asparagine, which is neutral and polar, with serine, which is neutral and polar, at codon 1193 of the DICER1 protein (p.Asn1193Ser). This variant is present in population databases (no rsID available, gnomAD 0.003%). This variant has not been reported in the literature in individuals affected with DICER1-related conditions. ClinVar contains an entry for this variant (Variation ID: 569594). Invitae Evidence Modeling of protein sequence and biophysical properties (such as structural, functional, and spatial information, amino acid conservation, physicochemical variation, residue mobility, and thermodynamic stability) indicates that this missense variant is not expected to disrupt DICER1 protein function with a negative predictive value of 95%. In summary, the available evidence is currently insufficient to determine the role of this variant in disease. Therefore, it has been classified as a Variant of Uncertain Significance.

Ambry Genetics
Classification: Uncertain significance for Hereditary cancer-predisposing syndrome. Last evaluated: 2025-10-12. Review status: criteria provided, single submitter. Criteria: Ambry Variant Classification Scheme 2023. Collection method: clinical testing. Allele origin: germline.
Comment: The p.N1193S variant (also known as c.3578A>G), located in coding exon 20 of the DICER1 gene, results from an A to G substitution at nucleotide position 3578. The asparagine at codon 1193 is replaced by serine, an amino acid with highly similar properties. This amino acid position is well conserved in available vertebrate species. In addition, this alteration is predicted to be tolerated by in silico analysis. Since supporting evidence is limited at this time, the clinical significance of this alteration remains unclear.

Sema4
Classification: Uncertain significance for Hereditary cancer-predisposing syndrome. Last evaluated: 2021-10-27. Review status: criteria provided, single submitter. Criteria: Sema4 Curation Guidelines. Collection method: curation. Allele origin: germline.
Comment: The DICER1 c.3578A>G (p.N1193S) variant has not been reported in the literature to our knowledge. It was observed in 2/251424 chromosomes across all populations in the large and broad cohorts of the Genome Aggregation Database (PMID: 32461654), and has been reported in ClinVar (Variation ID 569594). In silico tools suggest the impact of the variant on protein function is benign, though these predictions have not been confirmed by functional studies. The evidence is insufficient to meet ACMG/AMP criteria for classifying the variant as benign or pathogenic. Thus, the clinical significance of this variant is currently uncertain.

Fulgent Genetics
Classification: Uncertain significance for Euthyroid goiter; Rhabdomyosarcoma, embryonal, 2; Pleuropulmonary blastoma. Last evaluated: 2018-10-31. Review status: criteria provided, single submitter. Criteria: ACMG Guidelines, 2015. Collection method: clinical testing. Allele origin: unknown.

NM_177438.3(DICER1):c.3578A>G (p.Asn1193Ser)

Gene: DICER1 (dicer 1, ribonuclease III; minus strand). Cytogenetic location: 14q32.13.
Variant type: single nucleotide variant.
Coding change: c.3578A>G on transcript NM_177438.3 (MANE Select); coding-DNA position 3578, A replaced by G.
Protein change: p.Asn1193Ser; replaces asparagine 1193 with serine.
Molecular consequence: missense variant.
Genome position (GRCh38, 1-based): chr14:95,103,818, T>C on the plus strand (A>G on the coding strand, the complement: DICER1 is on the minus strand). VCF-style: chr14-95103818-T-C. GRCh37 (hg19) VCF-style: chr14-95570155-T-C.
Other names: c.3578A>G, p.Asn1193Ser (NM_001195573.1, NM_001271282.3, NM_001291628.2 and 1 more transcripts); short protein forms N1193S.
Identifiers: ClinVar variation 569594 (VCV000569594.16), dbSNP rs1288723916, ClinGen allele CA390874848.